The following is an entry in ClinVar:

NM_000051.4(ATM):c.5765C>T (p.Pro1922Leu)

Genes: ATM (ATM serine/threonine kinase; plus strand), C11orf65 (chromosome 11 open reading frame 65; minus strand). Cytogenetic location: 11q22.3.
Variant type: single nucleotide variant.
Coding change: c.5765C>T on transcript NM_000051.4 (MANE Select); coding-DNA position 5765, C replaced by T.
Protein change: p.Pro1922Leu; replaces proline 1922 with leucine.
Molecular consequence: missense variant. On other transcripts: intron variant (2).
Genome position (GRCh38, 1-based): chr11:108,310,162, C>T. VCF-style: chr11-108310162-C-T. GRCh37 (hg19) VCF-style: chr11-108180889-C-T.
Other names: c.5765C>T, p.Pro1922Leu (NM_001351834.2); c.641-1091G>A (NM_001330368.2); c.*39-1091G>A (NM_001351110.2); short protein forms P1922L.
Identifiers: ClinVar variation 3801878 (VCV003801878.1).
Genomic context (GRCh38, chr11:108,310,162, plus strand): 5'-TTTATTTTGATATTGAAGTTTAAAAAAGTGAATGACATTATATCTCATTTTTCTTTAGAC[C>T]TTCTTCAGGAACAATTTTTAATGATGCTTTCTGGCTGGATTTAAATTATCTAGAAGTTGC-3'
Protein context (NP_000042.3, residues 1912-1932): VVDYMRRQKR[Pro1922Leu]SSGTIFNDAF

ClinVar aggregate classification (germline): Uncertain significance. Review status: criteria provided, multiple submitters, no conflicts (2 of 4 stars). 2 submissions from 2 submitters: Uncertain significance (2). Last evaluated 2025-01-14.

Conditions:
Hereditary cancer-predisposing syndrome. Also called: Neoplastic Syndromes, Hereditary; Tumor predisposition; Hereditary Cancer Syndrome; Hereditary neoplastic syndrome. Identifiers: Orphanet 140162, MedGen C0027672, MeSH D009386, MONDO:0015356.

Submissions (2):

Ambry Genetics
Classification: Uncertain significance for Hereditary cancer-predisposing syndrome. Last evaluated: 2025-01-14. Review status: criteria provided, single submitter. Criteria: Ambry Variant Classification Scheme 2023. Collection method: clinical testing. Allele origin: germline.
Comment: The p.P1922L variant (also known as c.5765C>T), located in coding exon 38 of the ATM gene, results from a C to T substitution at nucleotide position 5765. The proline at codon 1922 is replaced by leucine, an amino acid with similar properties. This amino acid position is conserved. In addition, this alteration is predicted to be tolerated by in silico analysis. Based on the available evidence, the clinical significance of this variant remains unclear.

Color Diagnostics, LLC DBA Color Health
Classification: Uncertain significance for Hereditary cancer-predisposing syndrome. Last evaluated: 2024-05-03. Review status: criteria provided, single submitter. Criteria: ACMG Guidelines, 2015. Collection method: clinical testing. Allele origin: germline.
Comment: This missense variant replaces proline with leucine at codon 1922 of the ATM protein. Computational prediction suggests that this variant may not impact protein structure and function. To our knowledge, functional studies have not been reported for this variant. This variant has not been reported in individuals affected with ATM-related disorders in the literature. This variant has not been identified in the general population by the Genome Aggregation Database (gnomAD). The available evidence is insufficient to determine the role of this variant in disease conclusively. Therefore, this variant is classified as a Variant of Uncertain Significance.